The following is an entry in ClinVar:

ClinVar aggregate classification (germline): Likely benign. Review status: criteria provided, multiple submitters, no conflicts (2 of 4 stars). 4 submissions from 4 submitters: Likely benign (4). Last evaluated 2026-05-13.

Conditions:
Neurofibromatosis, type 1 (NF1). Also called: Neurofibromatosis, type I; NEUROFIBROMATOSIS, TYPE I, SOMATIC; VON RECKLINGHAUSEN DISEASE; Peripheral type neurofibromatosis. Identifiers: Orphanet 636, MedGen C0027831, MONDO:0018975, OMIM 162200. Disease mechanism: loss of function.

Allele frequency attached by ClinVar (database versions not stated): ExAC 0.00001; gnomAD 0.00001; gnomAD exomes 0.00001; TOPMed 0.00001.
gnomAD v4.1: 24 of 1,613,764 alleles (0.0015%); highest among the groups gnomAD compares: South Asian, 0.011%; no homozygotes.

Submissions (4):

Myriad Genetics, Inc.
Classification: Likely benign for Neurofibromatosis, type 1. Last evaluated: 2026-05-13. Review status: criteria provided, single submitter. Criteria: Myriad Autosomal Dominant, Autosomal Recessive and X-Linked Classification Criteria (2023). Collection method: clinical testing. Allele origin: unknown.
Comment: This variant is considered likely benign. This variant is intronic and is not expected to impact mRNA splicing.

Labcorp Genetics (formerly Invitae), Labcorp
Classification: Likely benign for Neurofibromatosis, type 1. Last evaluated: 2025-11-09. Review status: criteria provided, single submitter. Criteria: Invitae Variant Classification Sherloc (09022015). Collection method: clinical testing. Allele origin: germline.

Genome-Nilou Lab
Classification: Likely benign for Neurofibromatosis, type 1. Last evaluated: 2022-03-15. Review status: criteria provided, single submitter. Criteria: ACMG Guidelines, 2015. Collection method: clinical testing. Allele origin: germline. Affected: no.

GeneDx
Classification: Likely benign. Last evaluated: 2020-11-09. Review status: criteria provided, single submitter. Criteria: GeneDx Variant Classification Process June 2021. Collection method: clinical testing. Allele origin: germline. Affected: yes.

NM_001042492.3(NF1):c.7322-13G>A

Gene: NF1 (neurofibromin 1; plus strand). Cytogenetic location: 17q11.2.
Variant type: single nucleotide variant.
Coding change: c.7322-13G>A on transcript NM_001042492.3 (MANE Select); 13 bases into the intron before coding-DNA position 7322, G replaced by A.
Molecular consequence: intron variant.
Genome position (GRCh38, 1-based): chr17:31,350,170, G>A. VCF-style: chr17-31350170-G-A. GRCh37 (hg19) VCF-style: chr17-29677188-G-A.
Other names: c.7259-13G>A (NM_000267.4).
Identifiers: ClinVar variation 1187949 (VCV001187949.11), dbSNP rs753596831, ClinGen allele CA8487556.
Genomic context (GRCh38, chr17:31,350,170, plus strand): 5'-AAGAAGTTCATCCTGTTTTAAGTCACACTTGTGATTTGTTAAATTTTTTAACCTGCCACC[G>A]TTTTCCTTTTAGCTTTACTTACAGTGTCTGAAGAAGTTCGAAGTCGCTGCAGCCTAAAAC-3'